The following is an entry in ClinVar:

NM_007294.4(BRCA1):c.3548A>G (p.Lys1183Arg)

Genes: BRCA1 (BRCA1 DNA repair associated; minus strand), LOC126862571 (BRD4-independent group 4 enhancer GRCh37_chr17:41243136-41244335; plus strand). Cytogenetic location: 17q21.31.
Variant type: single nucleotide variant.
Coding change: c.3548A>G on transcript NM_007294.4 (MANE Select); coding-DNA position 3548, A replaced by G.
Protein change: p.Lys1183Arg; replaces lysine 1183 with arginine.
Molecular consequence: missense variant. On other transcripts: intron variant (135).
Genome position (GRCh38, 1-based): chr17:43,091,983, T>C on the plus strand (A>G on the coding strand, the complement: BRCA1 is on the minus strand). VCF-style: chr17-43091983-T-C. GRCh37 (hg19) VCF-style: chr17-41244000-T-C.
Other names: 3667A>G; c.3335A>G, p.Lys1112Arg (NM_001407571.1, NM_001407853.1, NM_001407894.1 and 9 more transcripts); c.3548A>G, p.Lys1183Arg (NM_001407581.1, NM_001407582.1, NM_001407583.1 and 30 more transcripts); c.3545A>G, p.Lys1182Arg (NM_001407587.1, NM_001407590.1, NM_001407591.1 and 22 more transcripts); c.3539A>G, p.Lys1180Arg (NM_001407646.1, NM_001407647.1); c.3425A>G, p.Lys1142Arg (NM_001407648.1, NM_001407664.1, NM_001407665.1 and 19 more transcripts); c.3422A>G, p.Lys1141Arg (NM_001407649.1, NM_001407670.1, NM_001407671.1 and 11 more transcripts); c.3470A>G, p.Lys1157Arg (NM_001407653.1, NM_001407654.1, NM_001407655.1 and 4 more transcripts); and 42 more; short protein forms K1183R, K1136R, K1056R, K1113R, K1115R, K1182R, K1055R, K1141R.
Identifiers: ClinVar variation 41818 (VCV000041818.96), dbSNP rs16942, ClinGen allele CA002269.

ClinVar aggregate classification (germline): Benign. Review status: reviewed by expert panel (3 of 4 stars). 37 submissions from 37 submitters: Benign (1). 36 of the submissions do not count toward it. Last evaluated 2015-08-10.
ClinVar aggregate classification (somatic clinical impact): Tier IV - Benign/Likely benign (0 of 4 stars; one submission).

Conditions:
BRCA1-related cancer predisposition. Identifiers: MedGen CN377757, MONDO:0700268.
Breast-ovarian cancer, familial, susceptibility to, 1 (BROVCA1). Also called: BRCA1 Hereditary Breast and Ovarian Cancer; OVARIAN CANCER, SUSCEPTIBILITY TO. Identifiers: Orphanet 145, MedGen C2676676, MONDO:0011450, OMIM 604370. Disease mechanism: loss of function.
Fanconi anemia, complementation group S (FANCS). Identifiers: MedGen C4554406, MONDO:0054748, OMIM 617883.
Pancreatic cancer, susceptibility to, 4. Identifiers: Orphanet 1333, MedGen C3280442, MONDO:0013685, OMIM 614320.
Familial cancer of breast. Also called: Hereditary breast cancer; BREAST CANCER, FAMILIAL; hereditary breast carcinoma. Identifiers: Orphanet 227535, MedGen C0346153, MONDO:0016419, OMIM 114480. Disease mechanism: loss of function.
Hereditary cancer-predisposing syndrome. Also called: Neoplastic Syndromes, Hereditary; Tumor predisposition; Hereditary Cancer Syndrome; Hereditary neoplastic syndrome. Identifiers: Orphanet 140162, MedGen C0027672, MeSH D009386, MONDO:0015356.
Hereditary breast ovarian cancer syndrome. Also called: Hereditary breast and ovarian cancer; Hereditary breast and ovarian cancer syndrome; Hereditary breast and ovarian cancer syndrome (HBOC); Hereditary breast and/or ovarian cancer syndrome; Breast and ovarian cancer; BRCA1- and BRCA2-Associated Hereditary Breast and Ovarian Cancer. Identifiers: Orphanet 145, MedGen C0677776, MeSH D061325, MONDO:0003582. Disease mechanism: loss of function.
Breast carcinoma. Also called: Carcinoma of breast. Identifiers: MedGen C0678222, MONDO:0004989, HP:0003002.

Allele frequency attached by ClinVar (database versions not stated): TOPMed 0.30134; gnomAD 0.31531 and 0.30784; ESP Exome Variant Server 0.29525; gnomAD exomes 0.35268; 1000 Genomes Project 30x 0.34681; 1000 Genomes Project 0.35264; ExAC 0.34900.
gnomAD v4.1: 542,417 of 1,613,632 alleles (34%); highest among the groups gnomAD compares: South Asian, 50%; 93,431 homozygotes.

Submissions 1 to 16 of 38:

Evidence-based Network for the Interpretation of Germline Mutant Alleles (ENIGMA)
Classification: Benign for Breast-ovarian cancer, familial 1. Last evaluated: 2015-08-10. Review status: reviewed by expert panel. Criteria: ENIGMA BRCA1/2 Classification Criteria (2015). Collection method: curation. Allele origin: germline.
Comment: IARC class based on posterior probability from multifactorial likelihood analysis, thresholds for class as per Plon et al. 2008 (PMID: 18951446). Class 1 based on posterior probability = 0.00000000000204. Also class 1 based on frequency >1% in an outbred sampleset. Frequency 0.3304 (Asian), 0.2154 (African), 0.3562 (European), derived from 1000 genomes (2012-04-30).

Labcorp Genetics (formerly Invitae), Labcorp
Classification: Benign for Hereditary breast ovarian cancer syndrome. Last evaluated: 2026-02-04. Review status: criteria provided, single submitter. Criteria: Invitae Variant Classification Sherloc (09022015). Collection method: clinical testing. Allele origin: germline. Not counted in ClinVar's aggregate classification.

ARUP Laboratories, Molecular Genetics and Genomics, ARUP Laboratories
Classification: Benign. Last evaluated: 2025-07-31. Review status: criteria provided, single submitter. Criteria: ARUP Molecular Germline Variant Investigation Process 2024. Collection method: clinical testing. Allele origin: germline. Not counted in ClinVar's aggregate classification.

Blueprint Genetics
Classification: Benign. Last evaluated: 2024-11-28. Review status: criteria provided, single submitter. Criteria: ACMG Guidelines, 2015. Collection method: clinical testing. Allele origin: germline. Not counted in ClinVar's aggregate classification.

All of Us Research Program, National Institutes of Health
Classification: Benign for BRCA1-related cancer predisposition. Last evaluated: 2024-10-03. Review status: criteria provided, single submitter. Criteria: ACMG Guidelines, 2015. Collection method: clinical testing. Allele origin: germline. Inheritance: Autosomal dominant inheritance. Observed: 77,342 variant alleles, 61,951 heterozygotes, 15,371 homozygotes, 20 hemizygotes. Not counted in ClinVar's aggregate classification.
Comment: This study involves interpretation of variants in research participants for the purpose of population health screening. Participant phenotype was not available at the time of variant classification. Additional details can be found in publication PMID: 35346344, PMCID: PMC8962531

KCCC/NGS Laboratory, Kuwait Cancer Control Center
Classification: Benign for Breast-ovarian cancer, familial, susceptibility to, 1. Last evaluated: 2023-07-07. Review status: criteria provided, single submitter. Criteria: ACMG Guidelines, 2015. Collection method: clinical testing. Allele origin: germline. Affected: yes. Not counted in ClinVar's aggregate classification.

Fulgent Genetics
Classification: Benign for Familial cancer of breast; Breast-ovarian cancer, familial, susceptibility to, 1; Pancreatic cancer, susceptibility to, 4; Fanconi anemia, complementation group S. Last evaluated: 2022-05-06. Review status: criteria provided, single submitter. Criteria: ACMG Guidelines, 2015. Collection method: clinical testing. Allele origin: unknown. Not counted in ClinVar's aggregate classification.

National Health Laboratory Service, Universitas Academic Hospital and University of the Free State
Classification: Benign for Hereditary breast ovarian cancer syndrome. Last evaluated: 2022-04-19. Review status: criteria provided, single submitter. Criteria: ACMG Guidelines, 2015. Collection method: clinical testing. Allele origin: germline. Affected: yes. Observed: 638 variant alleles. Not counted in ClinVar's aggregate classification.

Genetics Program, Instituto Nacional de Cancer
Classification: Benign for Hereditary breast ovarian cancer syndrome. Last evaluated: 2021-11-01. Review status: criteria provided, single submitter. Criteria: ACMG Guidelines, 2015. Collection method: research. Allele origin: germline. Affected: yes. Not counted in ClinVar's aggregate classification.

Genomic Research Center, Shahid Beheshti University of Medical Sciences
Classification: Benign for Familial cancer of breast. Last evaluated: 2020-05-03. Review status: criteria provided, single submitter. Criteria: ACMG Guidelines, 2015. Collection method: clinical testing. Allele origin: unknown. Affected: yes. Not counted in ClinVar's aggregate classification.

Sema4
Classification: Benign for Hereditary cancer-predisposing syndrome. Last evaluated: 2019-12-11. Review status: criteria provided, single submitter. Criteria: Sema4 Curation Guidelines. Collection method: curation. Allele origin: germline. Not counted in ClinVar's aggregate classification.

Center for Medical Genomics, Faculty of Medicine, Ramathibodi Hospital, Mahidol University
Classification: Benign for Breast carcinoma. Last evaluated: 2019-04-22. Review status: criteria provided, single submitter. Criteria: ACMG Guidelines, 2015. Collection method: clinical testing. Allele origin: germline. Affected: yes. Not counted in ClinVar's aggregate classification.

Illumina Laboratory Services, Illumina
Classification: Benign for Breast-ovarian cancer, familial, susceptibility to, 1. Last evaluated: 2018-03-06. Review status: criteria provided, single submitter. Criteria: ICSL Variant Classification Criteria 13 December 2019. Collection method: clinical testing. Allele origin: germline. Not counted in ClinVar's aggregate classification.
Comment: This variant was observed in the ICSL laboratory as part of a predisposition screen in an ostensibly healthy population. It had not been previously curated by ICSL or reported in the Human Gene Mutation Database (HGMD: prior to June 1st, 2018), and was therefore a candidate for classification through an automated scoring system. Utilizing variant allele frequency, disease prevalence and penetrance estimates, and inheritance mode, an automated score was calculated to assess if this variant is too frequent to cause the disease. Based on the score and internal cut-off values, a variant classified as benign is not then subjected to further curation. The score for this variant resulted in a classification of benign for this disease.

GeneKor MSA
Classification: Benign. Last evaluated: 2017-11-01. Review status: criteria provided, single submitter. Criteria: ACMG Guidelines, 2015. Collection method: clinical testing. Allele origin: germline. Affected: yes. Not counted in ClinVar's aggregate classification.

Cancer Genetics and Genomics Laboratory, British Columbia Cancer Agency
Classification: Benign. Last evaluated: 2017-04-19. Review status: criteria provided, single submitter. Criteria: ACMG Guidelines, 2015. Collection method: clinical testing. Allele origin: germline. Study: The Canadian Open Genetics Repository (COGR). Not counted in ClinVar's aggregate classification.

Baylor Genetics
Classification: Benign for Familial cancer of breast. Last evaluated: 2017-02-23. Review status: criteria provided, single submitter. Criteria: ACMG Guidelines, 2015. Collection method: clinical testing. Allele origin: germline. Inheritance: Autosomal dominant inheritance. Affected: no. Not counted in ClinVar's aggregate classification.